The following is an entry in ClinVar:

ClinVar aggregate classification (germline): Uncertain significance (1 of 4 stars; one submission).

Allele frequency attached by ClinVar (database versions not stated): gnomAD exomes below 0.00001 and 0.00002; ExAC 0.00003; gnomAD 0.00003 and 0.00004; TOPMed 0.00003; ESP Exome Variant Server 0.00008.
gnomAD v4.1: 12 of 1,613,138 alleles (0.00074%); highest among the groups gnomAD compares: African/African-American, 0.015%; no homozygotes.

Submission:

Labcorp Genetics (formerly Invitae), Labcorp
Classification: Uncertain significance. Last evaluated: 2023-05-05. Review status: criteria provided, single submitter. Criteria: Invitae Variant Classification Sherloc (09022015). Collection method: clinical testing. Allele origin: germline.
Comment: This sequence change replaces alanine, which is neutral and non-polar, with glycine, which is neutral and non-polar, at codon 940 of the TAOK2 protein (p.Ala940Gly). This variant is present in population databases (rs370623476, gnomAD 0.02%). This variant has not been reported in the literature in individuals affected with TAOK2-related conditions. ClinVar contains an entry for this variant (Variation ID: 1371649). An algorithm developed to predict the effect of missense changes on protein structure and function (PolyPhen-2) suggests that this variant is likely to be tolerated. In summary, the available evidence is currently insufficient to determine the role of this variant in disease. Therefore, it has been classified as a Variant of Uncertain Significance.

NM_016151.4(TAOK2):c.2819C>G (p.Ala940Gly)

Gene: TAOK2 (TAO kinase 2; plus strand). Cytogenetic location: 16p11.2.
Variant type: single nucleotide variant.
Coding change: c.2819C>G on transcript NM_016151.4 (MANE Select); coding-DNA position 2819, C replaced by G.
Protein change: p.Ala940Gly; replaces alanine 940 with glycine.
Molecular consequence: missense variant. On other transcripts: intron variant (1).
Genome position (GRCh38, 1-based): chr16:29,987,091, C>G. VCF-style: chr16-29987091-C-G. GRCh37 (hg19) VCF-style: chr16-29998412-C-G.
Other names: c.2480C>G, p.Ala827Gly (NM_001252043.2); c.2232+587C>G (NM_004783.4); short protein forms A940G, A827G.
Identifiers: ClinVar variation 1371649 (VCV001371649.6), dbSNP rs370623476, ClinGen allele CA7998447.